The following is an entry in ClinVar:

ClinVar aggregate classification (germline): Uncertain significance. Review status: criteria provided, multiple submitters, no conflicts (2 of 4 stars). 2 submissions from 2 submitters: Uncertain significance (2). Last evaluated 2024-05-29.

Conditions:
Early-infantile DEE. Also called: Ohtahara syndrome; Early infantile epileptic encephalopathy; Early infantile epileptic encephalopathy with suppression bursts. Identifiers: Orphanet 1934, MedGen C0393706, MONDO:0800491.
SCN8A-related disorder.

Submissions (2):

Labcorp Genetics (formerly Invitae), Labcorp
Classification: Uncertain significance for Early-infantile DEE. Last evaluated: 2024-05-29. Review status: criteria provided, single submitter. Criteria: Invitae Variant Classification Sherloc (09022015). Collection method: clinical testing. Allele origin: germline.
Comment: The SCN8A gene has multiple clinically relevant transcripts. This variant occurs in alternate transcript NM_001330260.1, and corresponds to NM_014191.3:c.706+172G>T in the primary transcript. This sequence change replaces valine, which is neutral and non-polar, with leucine, which is neutral and non-polar, at codon 211 of the SCN8A protein (p.Val211Leu). This variant is not present in population databases (gnomAD no frequency). This missense change has been observed in individual(s) with SCN8A-related conditions (Invitae). ClinVar contains an entry for this variant (Variation ID: 2630146). Algorithms developed to predict the effect of sequence changes on RNA splicing suggest that this variant is not likely to affect RNA splicing. This variant disrupts the p.Val211 amino acid residue in SCN8A. Other variant(s) that disrupt this residue have been determined to be pathogenic (PMID: 29121005). This suggests that this residue is clinically significant, and that variants that disrupt this residue are likely to be disease-causing. In summary, the available evidence is currently insufficient to determine the role of this variant in disease. Therefore, it has been classified as a Variant of Uncertain Significance.

PreventionGenetics, part of Exact Sciences
Classification: Uncertain significance for SCN8A-related condition. Last evaluated: 2023-03-14. Review status: criteria provided, single submitter. Criteria: ACMG Guidelines, 2015. Collection method: clinical testing. Allele origin: germline.
Comment: The SCN8A c.631G>T variant is predicted to result in the amino acid substitution p.Val211Leu. This variant corresponds to a deep intronic position in the primary transcript of this gene (NM_014191.3:c.706+172G>T). To our knowledge, this variant has not been reported in the literature or in a large population database, indicating this variant is rare. However, flanking deep intronic variants in an alternative spliced exon 5 have been reported de novo in individuals with autosomal dominant epileptic encephalopathy and global developmental delay (NM_014191.3:c.706+173T>C reported as ENST00000551216.1:c.26T>C and NM_014191.3:c.706+208A>G reported as ENST00000551216.1:c.61A>G, Table 1, Berkovic et al. 2019. PubMed ID: 30951195). At this time, the clinical significance of this variant is uncertain due to the absence of conclusive functional and genetic evidence.

Literature cited by the submitters: PubMed 29121005 (cited by Labcorp Genetics (formerly Invitae), Labcorp).

NM_001330260.2(SCN8A):c.631G>T (p.Val211Leu)

Gene: SCN8A (sodium voltage-gated channel alpha subunit 8; plus strand). Cytogenetic location: 12q13.13.
Variant type: single nucleotide variant.
Coding change: c.631G>T on transcript NM_001330260.2 (MANE Select); coding-DNA position 631, G replaced by T.
Protein change: p.Val211Leu; replaces valine 211 with leucine.
Molecular consequence: missense variant. On other transcripts: intron variant (2).
Genome position (GRCh38, 1-based): chr12:51,689,021, G>T. VCF-style: chr12-51689021-G-T. GRCh37 (hg19) VCF-style: chr12-52082805-G-T.
Other names: c.631G>T, p.Val211Leu (NM_001369788.1); c.706+172G>T (NM_014191.4, NM_001177984.3); short protein forms V211L.
Identifiers: ClinVar variation 2630146 (VCV002630146.3), dbSNP rs2138716617, ClinGen allele CA385224426.